The following is an entry in ClinVar:

NM_203447.4(DOCK8):c.4088G>A (p.Arg1363Gln)

Gene: DOCK8 (dedicator of cytokinesis 8; plus strand). Cytogenetic location: 9p24.3.
Variant type: single nucleotide variant.
Coding change: c.4088G>A on transcript NM_203447.4 (MANE Select); coding-DNA position 4088, G replaced by A.
Protein change: p.Arg1363Gln; replaces arginine 1363 with glutamine.
Molecular consequence: missense variant.
Genome position (GRCh38, 1-based): chr9:421,013, G>A. VCF-style: chr9-421013-G-A. GRCh37 (hg19) VCF-style: chr9-421013-G-A.
Other names: c.3788G>A, p.Arg1263Gln (NM_001190458.2); c.3884G>A, p.Arg1295Gln (NM_001193536.2); short protein forms R1263Q, R1295Q, R1363Q.
Identifiers: ClinVar variation 2900280 (VCV002900280.3), dbSNP rs773422137, ClinGen allele CA4958927.

ClinVar aggregate classification (germline): Uncertain significance. Review status: criteria provided, multiple submitters, no conflicts (2 of 4 stars). 2 submissions from 2 submitters: Uncertain significance (2). Last evaluated 2025-09-24.

Conditions:
Inborn genetic diseases. Identifiers: MedGen C0950123, MeSH D030342.

Allele frequency attached by ClinVar (database versions not stated): gnomAD 0.00004; gnomAD exomes 0.00001; TOPMed 0.00003; ExAC 0.00002.
gnomAD v4.1: 14 of 1,614,074 alleles (0.00087%); highest among the groups gnomAD compares: African/African-American, 0.008%; no homozygotes.

Submissions (2):

Ambry Genetics
Classification: Uncertain significance for Inborn genetic diseases. Last evaluated: 2025-09-24. Review status: criteria provided, single submitter. Criteria: Ambry Variant Classification Scheme 2023. Collection method: clinical testing. Allele origin: germline.

Labcorp Genetics (formerly Invitae), Labcorp
Classification: Uncertain significance for Combined immunodeficiency due to DOCK8 deficiency. Last evaluated: 2023-10-22. Review status: criteria provided, single submitter. Criteria: Invitae Variant Classification Sherloc (09022015). Collection method: clinical testing. Allele origin: germline.
Comment: This sequence change replaces arginine, which is basic and polar, with glutamine, which is neutral and polar, at codon 1363 of the DOCK8 protein (p.Arg1363Gln). This variant is present in population databases (rs773422137, gnomAD 0.008%). This variant has not been reported in the literature in individuals affected with DOCK8-related conditions. Advanced modeling of protein sequence and biophysical properties (such as structural, functional, and spatial information, amino acid conservation, physicochemical variation, residue mobility, and thermodynamic stability) performed at Invitae indicates that this missense variant is not expected to disrupt DOCK8 protein function. In summary, the available evidence is currently insufficient to determine the role of this variant in disease. Therefore, it has been classified as a Variant of Uncertain Significance.